The following is an entry in ClinVar:

ClinVar aggregate classification (germline): Uncertain significance (1 of 4 stars; one submission).

Conditions:
Hereditary cancer-predisposing syndrome. Also called: Hereditary Cancer Syndrome; Hereditary neoplastic syndrome; Neoplastic Syndromes, Hereditary; Tumor predisposition. Identifiers: Orphanet 140162, MedGen C0027672, MeSH D009386, MONDO:0015356.

Submission:

Ambry Genetics
Classification: Uncertain significance for Hereditary cancer-predisposing syndrome. Last evaluated: 2022-07-12. Review status: criteria provided, single submitter. Criteria: Ambry Variant Classification Scheme 2023. Collection method: clinical testing. Allele origin: germline.
Comment: The p.E1468D variant (also known as c.4404G>C), located in coding exon 30 of the SMARCA4 gene, results from a G to C substitution at nucleotide position 4404. The glutamic acid at codon 1468 is replaced by aspartic acid, an amino acid with highly similar properties. This amino acid position is not well conserved in available vertebrate species, and aspartic acid is the reference amino acid in other vertebrate species. In addition, this alteration is predicted to be tolerated by in silico analysis. Missense and in-frame variants in SMARCA4 are known to cause neurodevelopmental disorders; however, such associations with rhabdoid tumor predisposition syndrome including small cell carcinoma of the ovary-hypercalcemic type (SCCOHT) are exceedingly rare (Kosho T et al. Am J Med Genet C Semin Med Genet. 2014 Sep;166C(3):262-75; Jelinic P et al. Nat Genet. 2014 May;46(5):424-6). Based on the supporting evidence, the association of this alteration with Coffin-Siris syndrome is unknown; however, the association of this alteration with rhabdoid tumor predisposition syndrome is unlikely.

NM_003072.5(SMARCA4):c.4308G>C (p.Glu1436Asp)

Gene: SMARCA4 (SWI/SNF related BAF chromatin remodeling complex subunit ATPase 4; plus strand). Cytogenetic location: 19p13.2.
Variant type: single nucleotide variant.
Coding change: c.4308G>C on transcript NM_003072.5 (MANE Select); coding-DNA position 4308, G replaced by C.
Protein change: p.Glu1436Asp; replaces glutamic acid 1436 with aspartic acid.
Molecular consequence: missense variant. On other transcripts: non-coding transcript variant (1).
Genome position (GRCh38, 1-based): chr19:11,041,444, G>C. VCF-style: chr19-11041444-G-C. GRCh37 (hg19) VCF-style: chr19-11152120-G-C.
Other names: c.4404G>C, p.Glu1468Asp (NM_001387283.1, NM_001128849.3); c.4305G>C, p.Glu1435Asp (NM_001411150.1); c.4308G>C, p.Glu1436Asp (NM_001128844.3); c.4218G>C, p.Glu1406Asp (NM_001128845.2, NM_001128846.2); c.4209G>C, p.Glu1403Asp (NM_001128847.4, NM_001128848.2, NM_001374457.1); short protein forms E1468D, E1403D, E1406D, E1435D, E1436D.
Identifiers: ClinVar variation 1740352 (VCV001740352.2), dbSNP rs878854226, ClinGen allele CA404073751.